The following is an entry in ClinVar:

ClinVar aggregate classification (germline): Uncertain significance. Review status: criteria provided, multiple submitters, no conflicts (2 of 4 stars). 2 submissions from 2 submitters: Uncertain significance (2). Last evaluated 2026-08-04.

Conditions:
Inborn genetic diseases. Identifiers: MedGen C0950123, MeSH D030342.

Allele frequency attached by ClinVar (database versions not stated): gnomAD exomes 0.00001; TOPMed 0.00001; gnomAD 0.00001.
gnomAD v4.1: 16 of 1,613,830 alleles (0.00099%); highest among the groups gnomAD compares: Non-Finnish European, 0.0014%; no homozygotes.

Submissions (2):

Ambry Genetics
Classification: Uncertain significance for Inborn genetic diseases. Last evaluated: 2026-08-04. Review status: criteria provided, single submitter. Criteria: Ambry Variant Classification Scheme 2023. Collection method: clinical testing. Allele origin: germline.
Comment: The c.10182T>A (p.S3394R) alteration is located in exon 43 (coding exon 43) of the KMT2C gene. This alteration results from a T to A substitution at nucleotide position 10182, causing the serine (S) at amino acid position 3394 to be replaced by an arginine (R). Based on data from gnomAD, the A allele has an overall frequency of <0.001% (1/251488) total alleles studied. The highest observed frequency was 0.001% (1/113762) of European (non-Finnish) alleles. Based on insufficient or conflicting evidence, the clinical significance of this alteration remains unclear.

Labcorp Genetics (formerly Invitae), Labcorp
Classification: Uncertain significance. Last evaluated: 2023-09-20. Review status: criteria provided, single submitter. Criteria: Invitae Variant Classification Sherloc (09022015). Collection method: clinical testing. Allele origin: germline.
Comment: In summary, the available evidence is currently insufficient to determine the role of this variant in disease. Therefore, it has been classified as a Variant of Uncertain Significance. Advanced modeling of protein sequence and biophysical properties (such as structural, functional, and spatial information, amino acid conservation, physicochemical variation, residue mobility, and thermodynamic stability) performed at Invitae indicates that this missense variant is expected to disrupt KMT2C protein function. This variant has not been reported in the literature in individuals affected with KMT2C-related conditions. This variant is present in population databases (no rsID available, gnomAD 0.0009%). This sequence change replaces serine, which is neutral and polar, with arginine, which is basic and polar, at codon 3394 of the KMT2C protein (p.Ser3394Arg).

NM_170606.3(KMT2C):c.10182T>A (p.Ser3394Arg)

Gene: KMT2C (lysine methyltransferase 2C; minus strand). Cytogenetic location: 7q36.1.
Variant type: single nucleotide variant.
Coding change: c.10182T>A on transcript NM_170606.3 (MANE Select); coding-DNA position 10182, T replaced by A.
Protein change: p.Ser3394Arg; replaces serine 3394 with arginine.
Molecular consequence: missense variant.
Genome position (GRCh38, 1-based): chr7:152,163,395, A>T on the plus strand (T>A on the coding strand, the complement: KMT2C is on the minus strand). VCF-style: chr7-152163395-A-T. GRCh37 (hg19) VCF-style: chr7-151860480-A-T.
Other names: c.10182T>A (NM_170606.2); short protein forms S3394R.
Identifiers: ClinVar variation 2786535 (VCV002786535.4), dbSNP rs1420222673, ClinGen allele CA370104507.